The following is an entry in ClinVar:

NM_001177701.3(IFT27):c.385G>A (p.Gly129Ser)

Genes: CACNG2-DT (CACNG2 divergent transcript; plus strand), IFT27 (intraflagellar transport 27; minus strand). Cytogenetic location: 22q12.3.
Variant type: single nucleotide variant.
Coding change: c.385G>A on transcript NM_001177701.3 (MANE Select); coding-DNA position 385, G replaced by A.
Protein change: p.Gly129Ser; replaces glycine 129 with serine.
Molecular consequence: missense variant.
Genome position (GRCh38, 1-based): chr22:36,762,981, C>T on the plus strand (G>A on the coding strand, the complement: IFT27 is on the minus strand). VCF-style: chr22-36762981-C-T. GRCh37 (hg19) VCF-style: chr22-37159025-C-T.
Other names: c.385G>A, p.Gly129Ser (NM_001363003.2); c.382G>A, p.Gly128Ser (NM_006860.5); c.385G>A (NM_001177701.1); short protein forms G128S, G129S.
Identifiers: ClinVar variation 833782 (VCV000833782.14), dbSNP rs137908922, ClinGen allele CA10212358.

ClinVar aggregate classification (germline): Likely benign. Review status: criteria provided, multiple submitters, no conflicts (2 of 4 stars). 4 submissions from 4 submitters: Likely benign (4). Last evaluated 2026-01-11.

Conditions:
Inborn genetic diseases. Identifiers: MedGen C0950123, MeSH D030342.
IFT27-related disorder. Also called: IFT27-related condition.

Allele frequency attached by ClinVar (database versions not stated): gnomAD exomes 0.00017; ExAC 0.00018; ESP Exome Variant Server 0.00038; gnomAD 0.00052 and 0.00059; TOPMed 0.00060.

Submissions (4):

Labcorp Genetics (formerly Invitae), Labcorp
Classification: Likely benign. Last evaluated: 2026-01-11. Review status: criteria provided, single submitter. Criteria: Invitae Variant Classification Sherloc (09022015). Collection method: clinical testing. Allele origin: germline.

PreventionGenetics, part of Exact Sciences
Classification: Likely benign for IFT27-related condition. Last evaluated: 2025-10-09. Review status: criteria provided, single submitter. Criteria: ACMG Guidelines, 2015. Collection method: clinical testing. Allele origin: germline.
Comment: This variant is classified as likely benign based on ACMG/AMP sequence variant interpretation guidelines (Richards et al. 2015 PMID: 25741868, with internal and published modifications).

Blueprint Genetics
Classification: Likely benign. Last evaluated: 2024-07-15. Review status: criteria provided, single submitter. Criteria: ACMG Guidelines, 2015. Collection method: clinical testing. Allele origin: germline.

Ambry Genetics
Classification: Likely benign for Inborn genetic diseases. Last evaluated: 2022-04-14. Review status: criteria provided, single submitter. Criteria: Ambry Variant Classification Scheme 2023. Collection method: clinical testing. Allele origin: germline.